The following is an entry in ClinVar:

ClinVar aggregate classification (germline): Likely pathogenic (1 of 4 stars; one submission).

Conditions:
Ethylmalonic encephalopathy (EE). Also called: Syndrome of encephalopathy, petechiae, and ethylmalonic aciduria; EPEMA syndrome; Encephalopathy, petechiae, and ethylmalonic aciduria. Identifiers: Orphanet 51188, MedGen C1865349, MONDO:0011229, OMIM 602473. Disease mechanism: loss of function.

Submission:

Clinical Genetics Laboratory, Skane University Hospital Lund
Classification: Likely pathogenic for Ethylmalonic encephalopathy. Last evaluated: 2025-06-24. Review status: criteria provided, single submitter. Criteria: ACMG Guidelines, 2015. Collection method: clinical testing. Allele origin: biparental. Inheritance: Autosomal recessive inheritance. Affected: yes.
Comment: Homozygous variant. Western blot has shown complete absence of ETHE1-expression. Criteria used: PS3_supporting, PM2, PM3_supporting and PM4 (ClinGen Mitochondrial Disease Nuclear and Mitochondrial Expert Panel Specifications to the ACMG/AMP Variant Interpretation Guidelines Version 1_ntDNA)

NM_014297.5(ETHE1):c.161_169dup (p.Glu56_Thr57insIleLeuGlu)

Gene: ETHE1 (ETHE1 persulfide dioxygenase; minus strand). Cytogenetic location: 19q13.31.
Variant type: Duplication.
Coding change: c.161_169dup on transcript NM_014297.5 (MANE Select); coding-DNA positions 161 to 169, 9 bases duplicated (TCCTGGAAA; older notation c.161_169dupTCCTGGAAA).
Protein change: p.Glu56_Thr57insIleLeuGlu.
Molecular consequence: 5 prime UTR variant (on NM_001320868.2). On other transcripts: intron variant (1).
Genome position (GRCh38, 1-based): chr19:43,526,572-43,526,580, TTTCCAGGA duplicated on the plus strand (TCCTGGAAA on the coding strand, the reverse complement: ETHE1 is on the minus strand). VCF-style (leftmost placement, unchanged base first): chr19-43526571-G-GTTTCCAGGA. GRCh37 (hg19) VCF-style: chr19-44030723-G-GTTTCCAGGA.
Other names: c.161_169dup, p.Glu56_Thr57insIleLeuGlu (NM_001320867.2); c.-60_-52dup (NM_001320868.2); c.81+517_81+525dup (NM_001320869.2); c.169_170insTCCTGGAAA (NM_014297.5).
Identifiers: ClinVar variation 3769600 (VCV003769600.2).